The following is an entry in ClinVar:

NM_001199107.2(TBC1D24):c.90T>C (p.Thr30=)

Gene: TBC1D24 (TBC1 domain family member 24; plus strand). Cytogenetic location: 16p13.3.
Variant type: single nucleotide variant.
Coding change: c.90T>C on transcript NM_001199107.2 (MANE Select); coding-DNA position 90, T replaced by C.
Protein change: p.Thr30=; no amino-acid change (threonine 30 retained).
Molecular consequence: synonymous variant.
Genome position (GRCh38, 1-based): chr16:2,496,238, T>C. VCF-style: chr16-2496238-T-C. GRCh37 (hg19) VCF-style: chr16-2546239-T-C.
Other names: c.90T>C, p.Thr30= (NM_020705.3).
Identifiers: ClinVar variation 227985 (VCV000227985.20), dbSNP rs575173753, ClinGen allele CA7843921.

ClinVar aggregate classification (germline): Conflicting classifications of pathogenicity. Review status: criteria provided, conflicting classifications (1 of 4 stars). 5 submissions from 5 submitters: Uncertain significance (1); Likely benign (4). Last evaluated 2026-06-18.

Conditions:
Developmental and epileptic encephalopathy, 1 (DEE1). Also called: OHTAHARA SYNDROME, X-LINKED; INFANTILE SPASM SYNDROME, X-LINKED 1; X-linked infantile spasms; West's syndrome; Tonic spasms with clustering, arrest of psychomotor development and hypsarrhythmia on EEG; X-Linked Infantile Spasm Syndrome. Identifiers: MedGen C3463992, MONDO:0010632, OMIM 308350. Disease mechanism: loss of function.
Autosomal dominant nonsyndromic hearing loss 65. Also called: Deafness, autosomal dominant 65; TBC1D24-Related Autosomal Dominant Nonsyndromic Hearing Loss (DFNA). Identifiers: Orphanet 90635, MedGen C3892048, MONDO:0014470, OMIM 616044.
Familial infantile myoclonic epilepsy (FIME). Also called: Epilepsy, Myoclonic, Infantile; TBC1D24-Related Familial Infantile Myoclonic Epilepsy (FIME). Identifiers: Orphanet 352582, MedGen C0917800, MONDO:0011506, OMIM 605021.

Allele frequency attached by ClinVar (database versions not stated): 1000 Genomes Project 0.00020; gnomAD 0.00005 and 0.00003; 1000 Genomes Project 30x 0.00016; gnomAD exomes 0.00006 and 0.00014; TOPMed 0.00006; ExAC 0.00007.
gnomAD v4.1: 88 of 1,613,934 alleles (0.0055%); highest among the groups gnomAD compares: East Asian, 0.18%; 1 homozygote.

Submissions (5):

Women's Health and Genetics/Laboratory Corporation of America, LabCorp
Classification: Likely benign. Last evaluated: 2026-06-18. Review status: criteria provided, single submitter. Criteria: LabCorp Variant Classification Summary - May 2015. Collection method: clinical testing. Allele origin: germline.

Labcorp Genetics (formerly Invitae), Labcorp
Classification: Likely benign for Developmental and epileptic encephalopathy, 1; Autosomal dominant nonsyndromic hearing loss 65. Last evaluated: 2025-06-01. Review status: criteria provided, single submitter. Criteria: Invitae Variant Classification Sherloc (09022015). Collection method: clinical testing. Allele origin: germline.

GeneDx
Classification: Likely benign. Last evaluated: 2021-05-11. Review status: criteria provided, single submitter. Criteria: GeneDx Variant Classification Process June 2021. Collection method: clinical testing. Allele origin: germline. Affected: yes.

Illumina Laboratory Services, Illumina
Classification: Uncertain significance for Familial infantile myoclonic epilepsy. Last evaluated: 2018-01-13. Review status: criteria provided, single submitter. Criteria: ICSL Variant Classification Criteria 13 December 2019. Collection method: clinical testing. Allele origin: germline.

Laboratory for Molecular Medicine, Mass General Brigham Personalized Medicine
Classification: Likely benign. Last evaluated: 2016-03-29. Review status: criteria provided, single submitter. Criteria: LMM Criteria. Collection method: clinical testing. Allele origin: germline. Observed: 1 variant allele.
Comment: p.Thr30Thr in exon 2 of TBC1D24: This variant is not expected to have clinical s ignificance because it does not alter an amino acid residue and is not located w ithin the splice consensus sequence. It has been identified in 0.1% (8/8588) of East Asian chromosomes by the Exome Aggregation Consortium (ExAC; dbSNP rs575173753).